The following is an entry in ClinVar:

NM_001378452.1(ITPR1):c.4114C>T (p.Arg1372Trp)

Gene: ITPR1 (inositol 1,4,5-trisphosphate receptor type 1; plus strand). Cytogenetic location: 3p26.1.
Variant type: single nucleotide variant.
Coding change: c.4114C>T on transcript NM_001378452.1 (MANE Select); coding-DNA position 4114, C replaced by T.
Protein change: p.Arg1372Trp; replaces arginine 1372 with tryptophan.
Molecular consequence: missense variant.
Genome position (GRCh38, 1-based): chr3:4,693,574, C>T. VCF-style: chr3-4693574-C-T. GRCh37 (hg19) VCF-style: chr3-4735258-C-T.
Other names: c.4069C>T (NM_001168272.1); c.4087C>T, p.Arg1363Trp (NM_001099952.4); c.4069C>T, p.Arg1357Trp (NM_001168272.2); c.4042C>T, p.Arg1348Trp (NM_002222.7); short protein forms R1348W, R1357W, R1372W, R1363W.
Identifiers: ClinVar variation 1518280 (VCV001518280.7), dbSNP rs777018717, ClinGen allele CA68799421.

ClinVar aggregate classification (germline): Uncertain significance. Review status: criteria provided, multiple submitters, no conflicts (2 of 4 stars). 2 submissions from 2 submitters: Uncertain significance (2). Last evaluated 2025-10-17.

Allele frequency attached by ClinVar (database versions not stated): gnomAD 0.00001; gnomAD exomes 0.00002; TOPMed 0.00004.
gnomAD v4.1: 23 of 1,613,872 alleles (0.0014%); highest among the groups gnomAD compares: Admixed American, 0.0083%; no homozygotes.

Submissions (2):

Athena Diagnostics
Classification: Uncertain significance. Last evaluated: 2025-10-17. Review status: criteria provided, single submitter. Criteria: Athena Diagnostics Criteria. Collection method: clinical testing. Allele origin: unknown.
Comment: Available data are insufficient to determine the clinical significance of the variant at this time. The frequency of this variant in the general population is higher than would generally be expected for pathogenic variants in this gene. Polyphen and MutationTaster yielded discordant predictions regarding whether this amino acid change is damaging to the protein.

Labcorp Genetics (formerly Invitae), Labcorp
Classification: Uncertain significance. Last evaluated: 2024-10-16. Review status: criteria provided, single submitter. Criteria: Invitae Variant Classification Sherloc (09022015). Collection method: clinical testing. Allele origin: germline.
Comment: This sequence change replaces arginine, which is basic and polar, with tryptophan, which is neutral and slightly polar, at codon 1348 of the ITPR1 protein (p.Arg1348Trp). This variant is present in population databases (rs777018717, gnomAD 0.009%). This variant has not been reported in the literature in individuals affected with ITPR1-related conditions. ClinVar contains an entry for this variant (Variation ID: 1518280). Invitae Evidence Modeling of protein sequence and biophysical properties (such as structural, functional, and spatial information, amino acid conservation, physicochemical variation, residue mobility, and thermodynamic stability) has been performed for this missense variant. However, the output from this modeling did not meet the statistical confidence thresholds required to predict the impact of this variant on ITPR1 protein function. In summary, the available evidence is currently insufficient to determine the role of this variant in disease. Therefore, it has been classified as a Variant of Uncertain Significance.